The following is an entry in ClinVar:

NM_000152.5(GAA):c.1796C>T (p.Ser599Phe)

Gene: GAA (alpha glucosidase; plus strand). Cytogenetic location: 17q25.3.
Variant type: single nucleotide variant.
Coding change: c.1796C>T on transcript NM_000152.5 (MANE Select); coding-DNA position 1796, C replaced by T.
Protein change: p.Ser599Phe; replaces serine 599 with phenylalanine.
Molecular consequence: missense variant.
Genome position (GRCh38, 1-based): chr17:80,112,619, C>T. VCF-style: chr17-80112619-C-T. GRCh37 (hg19) VCF-style: chr17-78086418-C-T.
Other names: c.1796C>T, p.Ser599Phe (NM_001079803.3, NM_001079804.3, NM_001406741.1 and 1 more transcripts); short protein forms S599F.
Identifiers: ClinVar variation 3896243 (VCV003896243.4).

ClinVar aggregate classification (germline): Conflicting classifications of pathogenicity. Review status: criteria provided, conflicting classifications (1 of 4 stars). 3 submissions from 3 submitters: Likely pathogenic (1); Uncertain significance (2). Last evaluated 2026-07-01.

Conditions:
Glycogen storage disease, type II (IOPD). Also called: CARDIOMEGALIA GLYCOGENICA DIFFUSA; GLYCOGENOSIS, GENERALIZED, CARDIAC FORM; GSD II; Glycogen storage disease type 2; Acid maltase deficiency disease; Aglucosidase alfa. Identifiers: Orphanet 365, MedGen C0017921, MONDO:0009290, OMIM 232300.

Submissions (3):

Genomenon, Inc
Classification: Uncertain significance for Glycogen storage disease, type II. Last evaluated: 2026-07-01. Review status: criteria provided, single submitter. Criteria: Genomenon Sequence Variant Interpretation Standards - Updated. Collection method: curation. Allele origin: germline. Affected: yes.
Comment: GAA p.Ser599Phe (c.1796C>T) is a missense variant that changes the amino acid at codon 599 from Serine to Phenylalanine. This variant has been observed in at least one proband with a GAA-related disorder (PMID:27417441;29803406). The presence of pathogenic/likely pathogenic missense variant(s) at the same amino acid position indicates that this residue is likely important for protein function. It is absent or not present at a significant frequency in gnomAD. In silico models predict that this variant is possibly or probably damaging. In conclusion, we classify GAA p.Ser599Phe (c.1796C>T) as a variant of uncertain significance.

Women's Health and Genetics/Laboratory Corporation of America, LabCorp
Classification: Uncertain significance. Last evaluated: 2025-04-16. Review status: criteria provided, single submitter. Criteria: LabCorp Variant Classification Summary - May 2015. Collection method: clinical testing. Allele origin: germline.
Comment: Variant summary: GAA c.1796C>T (p.Ser599Phe) results in a non-conservative amino acid change in the encoded protein sequence. Five of five in-silico tools predict a damaging effect of the variant on protein function. The variant was absent in 248524 control chromosomes (gnomAD). c.1796C>T has been observed in individuals affected with Glycogen Storage Disease, Type 2 (Pompe Disease) (Rdyska-witkowska_2015). These data indicate that the variant may be associated with disease. To our knowledge, no experimental evidence demonstrating an impact on protein function has been reported. The following publications have been ascertained in the context of this evaluation (PMID: 31254424, 26253708, 30367637). No submitters have cited clinical-significance assessments for this variant to ClinVar. Based on the evidence outlined above, the variant was classified as VUS-possibly pathogenic.

GeneDx
Classification: Likely pathogenic. Last evaluated: 2024-12-30. Review status: criteria provided, single submitter. Criteria: GeneDx Variant Classification Process June 2021. Collection method: clinical testing. Allele origin: germline. Affected: yes.
Comment: Not observed at significant frequency in large population cohorts (gnomAD); In silico analysis supports that this missense variant has a deleterious effect on protein structure/function; This variant is associated with the following publications: (PMID: 19343043, 22253258, 30367637, 31254424, 29803406, 26253708, 18429042, 29122469)

Literature cited by the submitters: PubMed 27417441 (cited by Genomenon, Inc); PubMed 29803406 (cited by Genomenon, Inc); PubMed 31254424 (cited by Women's Health and Genetics/Laboratory Corporation of America, LabCorp); PubMed 26253708 (cited by Women's Health and Genetics/Laboratory Corporation of America, LabCorp); PubMed 30367637 (cited by Women's Health and Genetics/Laboratory Corporation of America, LabCorp).